The following is an entry in ClinVar:

NM_002691.4(POLD1):c.463+4A>G

Gene: POLD1 (DNA polymerase delta 1, catalytic subunit; plus strand). Cytogenetic location: 19q13.33.
Variant type: single nucleotide variant.
Coding change: c.463+4A>G on transcript NM_002691.4 (MANE Select); 4 bases into the intron after coding-DNA position 463, A replaced by G.
Molecular consequence: intron variant.
Genome position (GRCh38, 1-based): chr19:50,401,928, A>G. VCF-style: chr19-50401928-A-G. GRCh37 (hg19) VCF-style: chr19-50905185-A-G.
Other names: c.463+4A>G (NM_001256849.1, NM_001308632.1).
Identifiers: ClinVar variation 1742038 (VCV001742038.3), dbSNP rs2122235331, ClinGen allele CA2580097637.
Genomic context (GRCh38, chr19:50,401,928, plus strand): 5'-CTGTCTGCTGCCACATCCACGGCTTCGCTCCCTACTTCTACACCCCAGCGCCCCCTGGTG[A>G]GTGGCCCCTACCCAGCCCCTCCCTGAGCCACTGGAGCCCCCTGCACCTCTGATCATCCCT-3'

ClinVar aggregate classification (germline): Uncertain significance (1 of 4 stars; one submission).

Conditions:
Hereditary cancer-predisposing syndrome. Also called: Hereditary Cancer Syndrome; Hereditary neoplastic syndrome; Neoplastic Syndromes, Hereditary; Tumor predisposition. Identifiers: Orphanet 140162, MedGen C0027672, MeSH D009386, MONDO:0015356.

Submission:

Ambry Genetics
Classification: Uncertain significance for Hereditary cancer-predisposing syndrome. Last evaluated: 2025-07-29. Review status: criteria provided, single submitter. Criteria: Ambry Variant Classification Scheme 2023. Collection method: clinical testing. Allele origin: germline.
Comment: The c.463+4A>G intronic variant results from an A to G substitution 4 nucleotides after coding exon 3 in the POLD1 gene. This nucleotide position is highly conserved in available vertebrate species. In silico splice site analysis predicts that this alteration will weaken the native splice donor site. Based on the available evidence, the clinical significance of this variant remains unclear.